The following is an entry in ClinVar:

NM_000789.4(ACE):c.1522C>T (p.Arg508Ter)

Gene: ACE (angiotensin I converting enzyme; plus strand). Cytogenetic location: 17q23.3.
Variant type: single nucleotide variant.
Coding change: c.1522C>T on transcript NM_000789.4 (MANE Select); coding-DNA position 1522, C replaced by T.
Protein change: p.Arg508Ter; replaces arginine 508 with a stop codon.
Molecular consequence: nonsense.
Genome position (GRCh38, 1-based): chr17:63,483,494, C>T. VCF-style: chr17-63483494-C-T. GRCh37 (hg19) VCF-style: chr17-61560855-C-T.
Other names: short protein forms R508*.
Identifiers: ClinVar variation 235336 (VCV000235336.13), dbSNP rs367797185, ClinGen allele CA8699590.

ClinVar aggregate classification (germline): Pathogenic. Review status: criteria provided, multiple submitters, no conflicts (2 of 4 stars). 6 submissions from 6 submitters: Pathogenic (6). Last evaluated 2026-04-11.

Conditions:
Renal tubular dysgenesis. Also called: Renotubular dysgenesis. Identifiers: Orphanet 3033, MedGen C0266313, MONDO:0017609, HP:0008660.
Renal tubular dysgenesis of genetic origin. Also called: PRIMITIVE RENAL TUBULE SYNDROME. Identifiers: Orphanet 97369, MedGen C5681536, MONDO:0009970, OMIM 267430.

Allele frequency attached by ClinVar (database versions not stated): ExAC 0.00003; gnomAD exomes 0.00003; ESP Exome Variant Server 0.00008; gnomAD 0.00004; TOPMed 0.00006.
gnomAD v4.1: 114 of 1,613,996 alleles (0.0071%); highest among the groups gnomAD compares: Non-Finnish European, 0.0085%; no homozygotes.

Submissions (6):

GeneDx
Classification: Pathogenic. Last evaluated: 2026-04-11. Review status: criteria provided, single submitter. Criteria: GeneDx Variant Classification Process June 2021. Collection method: clinical testing. Allele origin: germline.
Comment: Nonsense variant predicted to result in protein truncation or nonsense mediated decay in a gene for which loss of function is a known mechanism of disease; This variant is associated with the following publications: (PMID: 31589614, 30665703, 22095942, 31980526, 35848000)

First Genomix Gene Laboratory, Genetic Diagnostics Department
Classification: Pathogenic for Renal tubular dysgenesis of genetic origin. Last evaluated: 2025-08-18. Review status: criteria provided, single submitter. Criteria: ACMG Guidelines, 2015. Collection method: clinical testing. Allele origin: germline. Inheritance: Autosomal recessive inheritance. Affected: yes. Observed: 1 variant allele.
Comment: In addition, this variant has been reported in a compound heterozygous in a patient with renal tubular dysgenesis. This patient exhibited high renin expression, indicating a loss of ACE protein function (PMID: 22095942).

Labcorp Genetics (formerly Invitae), Labcorp
Classification: Pathogenic. Last evaluated: 2023-11-12. Review status: criteria provided, single submitter. Criteria: Invitae Variant Classification Sherloc (09022015). Collection method: clinical testing. Allele origin: germline.
Comment: This sequence change creates a premature translational stop signal (p.Arg508*) in the ACE gene. It is expected to result in an absent or disrupted protein product. Loss-of-function variants in ACE are known to be pathogenic (PMID: 22095942). This variant is present in population databases (rs367797185, gnomAD 0.006%). This premature translational stop signal has been observed in individual(s) with renal tubular dysgenesis (PMID: 22095942). ClinVar contains an entry for this variant (Variation ID: 235336). Algorithms developed to predict the effect of sequence changes on RNA splicing suggest that this variant may disrupt the consensus splice site. For these reasons, this variant has been classified as Pathogenic.

Center for Pediatric Genomic Medicine, Children's Mercy Hospital and Clinics
Classification: Pathogenic. Last evaluated: 2015-12-14. Review status: criteria provided, single submitter. Criteria: ACMG Guidelines, 2015. Collection method: clinical testing. Allele origin: germline.

Institute for Medical Genetics and Human Genetics, Charité - Universitätsmedizin Berlin
Classification: Pathogenic for Renal tubular dysgenesis of genetic origin. Review status: criteria provided, single submitter. Criteria: ACMG Guidelines, 2015. Collection method: not provided. Allele origin: germline. Inheritance: Autosomal recessive inheritance. Affected: yes.

Rady Children's Institute for Genomic Medicine, Rady Children's Hospital San Diego
Classification: Pathogenic for RENAL TUBULAR DYSGENESIS. Review status: criteria provided, single submitter. Criteria: ACMG Guidelines, 2015. Collection method: clinical testing. Allele origin: germline. Affected: yes.
Comment: This nonsense variant found in exon 10 of 25 is predicted to result in loss of normal protein function through either protein truncation or nonsense-mediated mRNA decay (NMD). This variant has been previously reported in a compound heterozygous state along with a pathogenic truncating variant in one individual with Renal Tubular Dysgenesis (PMID: 22095942). This individual exhibited high renin expression, indicating a loss of ACE protein function. It is present in the heterozygous state in the gnomAD population database at a frequency of 0.0032% (9/282862) and thus is presumed to be rare. Based on the available evidence, the c.1522C>T (p.Arg508Ter) variant is classified as Pathogenic.

Literature cited by the submitters: PubMed 22095942 (cited by Labcorp Genetics (formerly Invitae), Labcorp).